The following is an entry in ClinVar:

ClinVar aggregate classification (germline): Uncertain significance. Review status: criteria provided, multiple submitters, no conflicts (2 of 4 stars). 2 submissions from 2 submitters: Uncertain significance (2). Last evaluated 2024-02-26.

Conditions:
Hereditary cancer-predisposing syndrome. Also called: Neoplastic Syndromes, Hereditary; Tumor predisposition; Hereditary Cancer Syndrome; Hereditary neoplastic syndrome. Identifiers: Orphanet 140162, MedGen C0027672, MeSH D009386, MONDO:0015356.
Polyposis syndrome, hereditary mixed, 2. Identifiers: Orphanet 157794, MedGen C1864730, MONDO:0012405, OMIM 610069.

Allele frequency attached by ClinVar (database versions not stated): gnomAD 0.00001; gnomAD exomes 0.00001.
gnomAD v4.1: 6 of 1,614,050 alleles (0.00037%); no homozygotes.

Submissions (2):

Baylor Genetics
Classification: Uncertain significance for Polyposis syndrome, hereditary mixed, 2. Last evaluated: 2024-02-26. Review status: criteria provided, single submitter. Criteria: ACMG Guidelines, 2015. Collection method: clinical testing. Allele origin: unknown.

Ambry Genetics
Classification: Uncertain significance for Hereditary cancer-predisposing syndrome. Last evaluated: 2021-09-02. Review status: criteria provided, single submitter. Criteria: Ambry Variant Classification Scheme 2023. Collection method: clinical testing. Allele origin: germline.
Comment: The p.L282P variant (also known as c.845T>C), located in coding exon 7 of the BMPR1A gene, results from a T to C substitution at nucleotide position 845. The leucine at codon 282 is replaced by proline, an amino acid with similar properties. This amino acid position is highly conserved in available vertebrate species. In addition, this alteration is predicted to be deleterious by in silico analysis. Since supporting evidence is limited at this time, the clinical significance of this alteration remains unclear.

NM_004329.3(BMPR1A):c.845T>C (p.Leu282Pro)

Gene: BMPR1A (bone morphogenetic protein receptor type 1A; plus strand). Cytogenetic location: 10q23.2.
Variant type: single nucleotide variant.
Coding change: c.845T>C on transcript NM_004329.3 (MANE Select); coding-DNA position 845, T replaced by C.
Protein change: p.Leu282Pro; replaces leucine 282 with proline.
Molecular consequence: missense variant.
Genome position (GRCh38, 1-based): chr10:86,917,303, T>C. VCF-style: chr10-86917303-T-C. GRCh37 (hg19) VCF-style: chr10-88677060-T-C.
Other names: c.920T>C, p.Leu307Pro (NM_001406559.1); c.893T>C, p.Leu298Pro (NM_001406560.1); c.845T>C, p.Leu282Pro (NM_001406561.1, NM_001406562.1, NM_001406563.1 and 19 more transcripts); c.839T>C, p.Leu280Pro (NM_001406583.1); c.761T>C, p.Leu254Pro (NM_001406584.1, NM_001406585.1, NM_001406586.1 and 2 more transcripts); c.503T>C, p.Leu168Pro (NM_001406589.1); short protein forms L254P, L298P, L280P, L168P, L282P, L307P.
Identifiers: ClinVar variation 1763463 (VCV001763463.3), dbSNP rs1386615932, ClinGen allele CA377458721.
Genomic context (GRCh38, chr10:86,917,303, plus strand): 5'-TATTCTTTACCACTGAAGAAGCCAGCTGGTTTCGAGAAACAGAAATCTACCAAACTGTGC[T>C]AATGCGCCATGAAAACATACTTGGTGGGTACACACTGATTCAGTCAATTTCATTTTTGAC-3'
Protein context (NP_004320.2, residues 272-292): FRETEIYQTV[Leu282Pro]MRHENILGFI